The following is an entry in ClinVar:

NM_015141.4(GPD1L):c.653G>C (p.Gly218Ala)

Gene: GPD1L (glycerol-3-phosphate dehydrogenase 1 like; plus strand). Cytogenetic location: 3p22.3.
Variant type: single nucleotide variant.
Coding change: c.653G>C on transcript NM_015141.4 (MANE Select); coding-DNA position 653, G replaced by C.
Protein change: p.Gly218Ala; replaces glycine 218 with alanine.
Molecular consequence: missense variant.
Genome position (GRCh38, 1-based): chr3:32,158,910, G>C. VCF-style: chr3-32158910-G-C. GRCh37 (hg19) VCF-style: chr3-32200402-G-C.
Other names: short protein forms G218A.
Identifiers: ClinVar variation 463288 (VCV000463288.4), dbSNP rs148361833, ClinGen allele CA72530038.

ClinVar aggregate classification (germline): Uncertain significance (1 of 4 stars; one submission).

Conditions:
Brugada syndrome. Also called: Sudden unexpected nocturnal death syndrome; Sudden unexplained nocturnal death syndrome; Sudden Unexplained Death Syndrome; Sudden Unexplained Nocturnal Death Syndrome (SUNDS). Identifiers: Orphanet 130, MedGen C1142166, MONDO:0015263.

Allele frequency attached by ClinVar (database versions not stated): TOPMed 0.00001; ESP Exome Variant Server 0.00008.

Submission:

Labcorp Genetics (formerly Invitae), Labcorp
Classification: Uncertain significance for Brugada syndrome. Last evaluated: 2021-09-01. Review status: criteria provided, single submitter. Criteria: Invitae Variant Classification Sherloc (09022015). Collection method: clinical testing. Allele origin: germline.
Comment: This sequence change replaces glycine with alanine at codon 218 of the GPD1L protein (p.Gly218Ala). The glycine residue is highly conserved and there is a small physicochemical difference between glycine and alanine. This variant is not present in population databases (ExAC no frequency). This variant has not been reported in the literature in individuals affected with GPD1L-related conditions. Algorithms developed to predict the effect of missense changes on protein structure and function (SIFT, PolyPhen-2, Align-GVGD) all suggest that this variant is likely to be disruptive. In summary, the available evidence is currently insufficient to determine the role of this variant in disease. Therefore, it has been classified as a Variant of Uncertain Significance.